The following is an entry in ClinVar:

ClinVar aggregate classification (germline): Uncertain significance (1 of 4 stars; one submission).

Submission:

GeneDx
Classification: Uncertain significance. Last evaluated: 2026-04-24. Review status: criteria provided, single submitter. Criteria: GeneDx Variant Classification Process June 2021. Collection method: clinical testing. Allele origin: germline.
Comment: Not observed at significant frequency in large population cohorts (gnomAD); In silico analysis supports that this missense variant has a deleterious effect on protein structure/function; Has not been previously published as pathogenic or benign to our knowledge

NM_005909.5(MAP1B):c.1210A>C (p.Asn404His)

Gene: MAP1B (microtubule associated protein 1B; plus strand). Cytogenetic location: 5q13.2.
Variant type: single nucleotide variant.
Coding change: c.1210A>C on transcript NM_005909.5 (MANE Select); coding-DNA position 1210, A replaced by C.
Protein change: p.Asn404His; replaces asparagine 404 with histidine.
Molecular consequence: missense variant.
Genome position (GRCh38, 1-based): chr5:72,194,565, A>C. VCF-style: chr5-72194565-A-C. GRCh37 (hg19) VCF-style: chr5-71490392-A-C.
Other names: c.832A>C, p.Asn278His (NM_001324255.2); short protein forms N278H, N404H.
Identifiers: ClinVar variation 5037588 (VCV005037588.1).